The following is an entry in ClinVar:

ClinVar aggregate classification (germline): Uncertain significance (1 of 4 stars; one submission).

Conditions:
Cardiovascular phenotype. Identifiers: MedGen CN230736.

Submission:

Ambry Genetics
Classification: Uncertain significance for Cardiovascular phenotype. Last evaluated: 2023-02-10. Review status: criteria provided, single submitter. Criteria: Ambry Variant Classification Scheme 2023. Collection method: clinical testing. Allele origin: germline.
Comment: The p.T299A variant (also known as c.895A>G), located in coding exon 3 of the ALPK3 gene, results from an A to G substitution at nucleotide position 895. The threonine at codon 299 is replaced by alanine, an amino acid with similar properties. This amino acid position is conserved. In addition, this alteration is predicted to be tolerated by in silico analysis. Since supporting evidence is limited at this time, the clinical significance of this alteration remains unclear.

NM_020778.5(ALPK3):c.289A>G (p.Thr97Ala)

Gene: ALPK3 (alpha kinase 3; plus strand). Cytogenetic location: 15q25.3.
Variant type: single nucleotide variant.
Coding change: c.289A>G on transcript NM_020778.5 (MANE Select); coding-DNA position 289, A replaced by G.
Protein change: p.Thr97Ala; replaces threonine 97 with alanine.
Molecular consequence: missense variant.
Genome position (GRCh38, 1-based): chr15:84,827,590, A>G. VCF-style: chr15-84827590-A-G. GRCh37 (hg19) VCF-style: chr15-85370821-A-G.
Other names: short protein forms T97A.
Identifiers: ClinVar variation 2449113 (VCV002449113.2), dbSNP rs2505697288, ClinGen allele CA393371151.